The following is an entry in ClinVar:

ClinVar aggregate classification (germline): Uncertain significance (1 of 4 stars; one submission).

gnomAD v4.1: 7 of 1,613,884 alleles (0.00043%); highest among the groups gnomAD compares: East Asian, 0.0022%; no homozygotes.

Submission:

Ambry Genetics
Classification: Uncertain significance. Last evaluated: 2025-10-06. Review status: criteria provided, single submitter. Criteria: Ambry Variant Classification Scheme 2023. Collection method: clinical testing. Allele origin: germline.
Comment: The p.A507S variant (also known as c.1519G>T), located in coding exon 2 of the CDK12 gene, results from a G to T substitution at nucleotide position 1519. The alanine at codon 507 is replaced by serine, an amino acid with similar properties. This amino acid position is conserved. In addition, this alteration is predicted to be tolerated by in silico analysis. Based on the available evidence, the clinical significance of this variant remains unclear.

NM_016507.4(CDK12):c.1519G>T (p.Ala507Ser)

Gene: CDK12 (cyclin dependent kinase 12; plus strand). Cytogenetic location: 17q12.
Variant type: single nucleotide variant.
Coding change: c.1519G>T on transcript NM_016507.4 (MANE Select); coding-DNA position 1519, G replaced by T.
Protein change: p.Ala507Ser; replaces alanine 507 with serine.
Molecular consequence: missense variant.
Genome position (GRCh38, 1-based): chr17:39,471,351, G>T. VCF-style: chr17-39471351-G-T. GRCh37 (hg19) VCF-style: chr17-37627604-G-T.
Other names: c.1519G>T, p.Ala507Ser (NM_015083.4); short protein forms A507S.
Identifiers: ClinVar variation 4651359 (VCV004651359.1).
Genomic context (GRCh38, chr17:39,471,351, plus strand): 5'-TCCGAGAAGCATCTTGTTAAAGATTTGAAAGCACAGGGAACAAGAGACTCTAAACCCATA[G>T]CACTGAAAGAGGAGATTGTTACTCCAAAGGAGACAGAAACATCAGAAAAGGAGACCCCTC-3'
Protein context (NP_057591.2, residues 497-517): AQGTRDSKPI[Ala507Ser]LKEEIVTPKE